The following is an entry in ClinVar:

NM_001370466.1(NOD2):c.-8-2175C>G

Gene: NOD2 (nucleotide binding oligomerization domain containing 2; plus strand). Cytogenetic location: 16q12.1.
Variant type: single nucleotide variant.
Coding change: c.-8-2175C>G on transcript NM_001370466.1 (MANE Select); 2175 bases into the intron before 8 bases upstream of the start codon, C replaced by G.
Molecular consequence: intron variant. On other transcripts: missense variant (1).
Genome position (GRCh38, 1-based): chr16:50,697,313, C>G. VCF-style: chr16-50697313-C-G. GRCh37 (hg19) VCF-style: chr16-50731224-C-G.
Other names: c.70C>G, p.Pro24Ala (NM_022162.3); short protein forms P24A.
Identifiers: ClinVar variation 3754267 (VCV003754267.2).

ClinVar aggregate classification (germline): Uncertain significance (1 of 4 stars; one submission).

Conditions:
Regional enteritis. Also called: Enteritis, Granulomatous. Identifiers: MedGen C0678202, MeSH D003424.
Blau syndrome (BLAUS). Also called: ARTHROCUTANEOUVEAL GRANULOMATOSIS; GRANULOMATOSIS, FAMILIAL JUVENILE SYSTEMIC; GRANULOMATOSIS, FAMILIAL, BLAU TYPE; GRANULOMATOUS INFLAMMATORY ARTHRITIS, DERMATITIS, AND UVEITIS, FAMILIAL; JABS SYNDROME. Identifiers: Orphanet 90340, MedGen C5201146, MONDO:0008523, OMIM 186580.

gnomAD v4.1: 1 of 1,556,344 alleles (0.000064%); highest among the groups gnomAD compares: Admixed American, 0.0019%; no homozygotes.

Submission:

Labcorp Genetics (formerly Invitae), Labcorp
Classification: Uncertain significance for Regional enteritis; Blau syndrome. Last evaluated: 2024-02-22. Review status: criteria provided, single submitter. Criteria: Invitae Variant Classification Sherloc (09022015). Collection method: clinical testing. Allele origin: germline.
Comment: This sequence change replaces proline, which is neutral and non-polar, with alanine, which is neutral and non-polar, at codon 24 of the NOD2 protein (p.Pro24Ala). This variant is not present in population databases (gnomAD no frequency). This variant has not been reported in the literature in individuals affected with NOD2-related conditions. Advanced modeling of protein sequence and biophysical properties (such as structural, functional, and spatial information, amino acid conservation, physicochemical variation, residue mobility, and thermodynamic stability) performed at Invitae indicates that this missense variant is not expected to disrupt NOD2 protein function with a negative predictive value of 95%. In summary, the available evidence is currently insufficient to determine the role of this variant in disease. Therefore, it has been classified as a Variant of Uncertain Significance.